The following is an entry in ClinVar:

ClinVar aggregate classification (germline): Uncertain significance (1 of 4 stars; one submission).

Allele frequency attached by ClinVar (database versions not stated): gnomAD exomes below 0.00001; TOPMed below 0.00001.
gnomAD v4.1: 1 of 1,614,078 alleles (0.000062%); highest among the groups gnomAD compares: African/African-American, 0.0013%; no homozygotes.

Submission:

Mayo Clinic Laboratories, Mayo Clinic
Classification: Uncertain significance. Last evaluated: 2023-03-27. Review status: criteria provided, single submitter. Criteria: ACMG Guidelines, 2015. Collection method: clinical testing. Allele origin: germline. Observed: 1 variant allele.
Comment: PP3

NM_016729.3(FOLR1):c.256T>C (p.Trp86Arg)

Genes: FOLR1 (folate receptor alpha; plus strand), FOLR1-AS1 (FOLR1 antisense RNA 1; minus strand). Cytogenetic location: 11q13.4.
Variant type: single nucleotide variant.
Coding change: c.256T>C on transcript NM_016729.3 (MANE Select); coding-DNA position 256, T replaced by C.
Protein change: p.Trp86Arg; replaces tryptophan 86 with arginine.
Molecular consequence: missense variant.
Genome position (GRCh38, 1-based): chr11:72,195,358, T>C. VCF-style: chr11-72195358-T-C. GRCh37 (hg19) VCF-style: chr11-71906402-T-C.
Other names: p.Trp86Arg; c.256T>C, p.Trp86Arg (NM_000802.3, NM_016724.3, NM_016725.3 and 1 more transcripts); short protein forms W86R.
Identifiers: ClinVar variation 2683159 (VCV002683159.1), dbSNP rs1409176806, ClinGen allele CA381732196.